The following is an entry in ClinVar:

ClinVar aggregate classification (germline): Conflicting classifications of pathogenicity. Review status: criteria provided, conflicting classifications (1 of 4 stars). 10 submissions from 6 submitters: Uncertain significance (4); Benign (1); Likely benign (5). Last evaluated 2026-09-29.

Conditions:
NF1-related disorder. Also called: NF1-related condition. Identifiers: MedGen CN379171.
Hereditary cancer-predisposing syndrome. Also called: Neoplastic Syndromes, Hereditary; Tumor predisposition; Hereditary Cancer Syndrome; Hereditary neoplastic syndrome. Identifiers: Orphanet 140162, MedGen C0027672, MeSH D009386, MONDO:0015356.
Cardiovascular phenotype. Identifiers: MedGen CN230736.
Neurofibromatosis, type 1 (NF1). Also called: VON RECKLINGHAUSEN DISEASE; NEUROFIBROMATOSIS, TYPE I, SOMATIC; Peripheral type neurofibromatosis; Neurofibromatosis, type I. Identifiers: Orphanet 636, MedGen C0027831, MONDO:0018975, OMIM 162200. Disease mechanism: loss of function.
Café-au-lait macules with pulmonary stenosis (WTSN). Also called: PULMONIC STENOSIS WITH CAFE-AU-LAIT SPOTS. Identifiers: MedGen C0553586, MONDO:0008672, OMIM 193520.
Neurofibromatosis, familial spinal (FSNF). Identifiers: Orphanet 636, MedGen C1834235, MONDO:0008078, OMIM 162210. Disease mechanism: loss of function.
Neurofibromatosis-Noonan syndrome (NFNS). Also called: NEUROFIBROMATOSIS WITH NOONAN PHENOTYPE. Identifiers: Orphanet 638, MedGen C2931482, MONDO:0011035, OMIM 601321. Disease mechanism: loss of function.

gnomAD v4.1: 4 of 1,612,764 alleles (0.00025%); highest among the groups gnomAD compares: East Asian, 0.0045%; no homozygotes.

Submissions (10):

Myriad Genetics, Inc.
Classification: Benign for Neurofibromatosis, type 1. Last evaluated: 2026-09-29. Review status: criteria provided, single submitter. Criteria: Myriad Autosomal Dominant, Autosomal Recessive and X-Linked Classification Criteria (2023). Collection method: clinical testing. Allele origin: unknown.
Comment: This variant is considered benign. This variant is a silent/synonymous amino acid change and it is not expected to impact splicing.

Labcorp Genetics (formerly Invitae), Labcorp
Classification: Likely benign for Neurofibromatosis, type 1. Last evaluated: 2025-12-10. Review status: criteria provided, single submitter. Criteria: Invitae Variant Classification Sherloc (09022015). Collection method: clinical testing. Allele origin: germline.

PreventionGenetics, part of Exact Sciences
Classification: Likely benign for NF1-related condition. Last evaluated: 2025-05-19. Review status: criteria provided, single submitter. Criteria: ACMG Guidelines, 2015. Collection method: clinical testing. Allele origin: germline.
Comment: This variant is classified as likely benign based on ACMG/AMP sequence variant interpretation guidelines (Richards et al. 2015 PMID: 25741868, with internal and published modifications).

Ambry Genetics
Classification: Likely benign for Cardiovascular phenotype; Hereditary cancer-predisposing syndrome. Last evaluated: 2025-01-28. Review status: criteria provided, single submitter. Criteria: Ambry Variant Classification Scheme 2023. Collection method: clinical testing. Allele origin: germline.

CeGaT Center for Human Genetics Tuebingen
Classification: Likely benign. Last evaluated: 2024-10-01. Review status: criteria provided, single submitter. Criteria: CeGaT Center For Human Genetics Tuebingen Variant Classification Criteria Version 2. Collection method: clinical testing. Allele origin: germline. Affected: yes. Observed: 1 variant allele.
Comment: NF1: BP4, BP7

Illumina Laboratory Services, Illumina
Classification: Uncertain significance for Neurofibromatosis, familial spinal. Last evaluated: 2018-01-13. Review status: criteria provided, single submitter. Criteria: ICSL Variant Classification Criteria 13 December 2019. Collection method: clinical testing. Allele origin: germline.

Illumina Laboratory Services, Illumina
Classification: Uncertain significance for Café-au-lait macules with pulmonary stenosis. Last evaluated: 2018-01-13. Review status: criteria provided, single submitter. Criteria: ICSL Variant Classification Criteria 13 December 2019. Collection method: clinical testing. Allele origin: germline.

Illumina Laboratory Services, Illumina
Classification: Uncertain significance for Neurofibromatosis-Noonan syndrome. Last evaluated: 2018-01-13. Review status: criteria provided, single submitter. Criteria: ICSL Variant Classification Criteria 13 December 2019. Collection method: clinical testing. Allele origin: germline.

Illumina Laboratory Services, Illumina
Classification: Uncertain significance for Neurofibromatosis, type 1. Last evaluated: 2018-01-13. Review status: criteria provided, single submitter. Criteria: ICSL Variant Classification Criteria 13 December 2019. Collection method: clinical testing. Allele origin: germline.

Ambry Genetics
Classification: Likely benign for Hereditary cancer-predisposing syndrome. Last evaluated: 2016-04-22. Review status: criteria provided, single submitter. Criteria: Ambry Autosomal Dominant and X-Linked criteria (10/2015). Collection method: clinical testing. Allele origin: germline. Observed: 1 variant allele.

NM_001042492.3(NF1):c.7246C>T (p.Leu2416=)

Gene: NF1 (neurofibromin 1; plus strand). Cytogenetic location: 17q11.2.
Variant type: single nucleotide variant.
Coding change: c.7246C>T on transcript NM_001042492.3 (MANE Select); coding-DNA position 7246, C replaced by T.
Protein change: p.Leu2416=; no amino-acid change (leucine 2416 retained).
Molecular consequence: synonymous variant.
Genome position (GRCh38, 1-based): chr17:31,349,176, C>T. VCF-style: chr17-31349176-C-T. GRCh37 (hg19) VCF-style: chr17-29676194-C-T.
Other names: c.7183C>T, p.Leu2395= (NM_000267.4).
Identifiers: ClinVar variation 184165 (VCV000184165.33), dbSNP rs786201310, ClinGen allele CA188027.